The following is an entry in ClinVar:

ClinVar aggregate classification (germline): Uncertain significance (1 of 4 stars; one submission).

Allele frequency attached by ClinVar (database versions not stated): TOPMed below 0.00001; gnomAD 0.00001; gnomAD exomes 0.00001.
gnomAD v4.1: 4 of 1,613,994 alleles (0.00025%); highest among the groups gnomAD compares: Non-Finnish European, 0.00034%; no homozygotes.

Submission:

CeGaT Center for Human Genetics Tuebingen
Classification: Uncertain significance. Last evaluated: 2022-09-01. Review status: criteria provided, single submitter. Criteria: CeGaT Center For Human Genetics Tuebingen Variant Classification Criteria Version 2. Collection method: clinical testing. Allele origin: germline. Affected: yes. Observed: 1 variant allele.
Comment: AFG3L2: PM2, PP3

NM_006796.3(AFG3L2):c.1199C>G (p.Ala400Gly)

Gene: AFG3L2 (AFG3 like matrix AAA peptidase subunit 2; minus strand). Cytogenetic location: 18p11.21.
Variant type: single nucleotide variant.
Coding change: c.1199C>G on transcript NM_006796.3 (MANE Select); coding-DNA position 1199, C replaced by G.
Protein change: p.Ala400Gly; replaces alanine 400 with glycine.
Molecular consequence: missense variant.
Genome position (GRCh38, 1-based): chr18:12,353,124, G>C on the plus strand (C>G on the coding strand, the complement: AFG3L2 is on the minus strand). VCF-style: chr18-12353124-G-C. GRCh37 (hg19) VCF-style: chr18-12353123-G-C.
Other names: short protein forms A400G.
Identifiers: ClinVar variation 1711450 (VCV001711450.30), dbSNP rs1480133333, ClinGen allele CA401952974.